The following is an entry in ClinVar:

ClinVar aggregate classification (germline): Likely benign (1 of 4 stars; one submission).

Submission:

CeGaT Center for Human Genetics Tuebingen
Classification: Likely benign. Last evaluated: 2022-04-01. Review status: criteria provided, single submitter. Criteria: CeGaT Center For Human Genetics Tuebingen Variant Classification Criteria Version 2. Collection method: clinical testing. Allele origin: germline. Affected: yes. Observed: 1 variant allele.
Comment: LRP4: PM2:Supporting, BP4, BP7

NM_002334.4(LRP4):c.3114T>A (p.Ser1038=)

Gene: LRP4 (LDL receptor related protein 4; minus strand). Cytogenetic location: 11p11.2.
Variant type: single nucleotide variant.
Coding change: c.3114T>A on transcript NM_002334.4 (MANE Select); coding-DNA position 3114, T replaced by A.
Protein change: p.Ser1038=; no amino-acid change (serine 1038 retained).
Molecular consequence: synonymous variant.
Genome position (GRCh38, 1-based): chr11:46,878,929, A>T on the plus strand (T>A on the coding strand, the complement: LRP4 is on the minus strand). VCF-style: chr11-46878929-A-T. GRCh37 (hg19) VCF-style: chr11-46900480-A-T.
Identifiers: ClinVar variation 2641755 (VCV002641755.24), dbSNP rs1271220504, ClinGen allele CA473877992.